The following is an entry in ClinVar:

NM_000443.4(ABCB4):c.1694C>G (p.Thr565Arg)

Gene: ABCB4 (ATP binding cassette subfamily B member 4; minus strand). Cytogenetic location: 7q21.12.
Variant type: single nucleotide variant.
Coding change: c.1694C>G on transcript NM_000443.4 (MANE Select); coding-DNA position 1694, C replaced by G.
Protein change: p.Thr565Arg; replaces threonine 565 with arginine.
Molecular consequence: missense variant.
Genome position (GRCh38, 1-based): chr7:87,439,704, G>C on the plus strand (C>G on the coding strand, the complement: ABCB4 is on the minus strand). VCF-style: chr7-87439704-G-C. GRCh37 (hg19) VCF-style: chr7-87069020-G-C.
Other names: c.1694C>G, p.Thr565Arg (NM_018849.3, NM_018850.3); short protein forms T565R.
Identifiers: ClinVar variation 4846641 (VCV004846641.1).
Genomic context (GRCh38, chr7:87,439,704, plus strand): 5'-TCAGCTTTTTAGAGTCTACTGACCTTATCCAGAGCTGCCTGTACCTCAGCTTCACTTTCT[G>C]TGTCCAATGCTGACGTGGCCTCATCCAGCAGAAGGATCTTGGGGTTGCGAACCAGGGCAC-3'
Protein context (NP_000434.1, residues 555-575): LLDEATSALD[Thr565Arg]ESEAEVQAAL

ClinVar aggregate classification (germline): Uncertain significance (1 of 4 stars; one submission).

Conditions:
Familial intrahepatic cholestasis. Identifiers: Orphanet 284385, MedGen CN296401, MONDO:0017290.

Submission:

Genomenon, Inc
Classification: Uncertain significance for Familial intrahepatic cholestasis. Last evaluated: 2026-04-14. Review status: criteria provided, single submitter. Criteria: Genomenon Sequence Variant Interpretation Standards - Updated. Collection method: curation. Allele origin: germline. Affected: yes.
Comment: ABCB4 p.Thr565Arg (c.1694C>G) is a missense variant that changes the amino acid at residue 565 from Threonine to Arginine. This variant has been observed in at least one proband with an ABCB4-related disorder (PMID:38610052). It is absent or not present at a significant frequency in gnomAD. In conclusion, we classify ABCB4 p.Thr565Arg (c.1694C>G) as a variant of uncertain significance.

Literature cited by the submitters: PubMed 38610052.